The following is an entry in ClinVar:

ClinVar aggregate classification (germline): Likely benign (1 of 4 stars; one submission).

Submission:

GeneDx
Classification: Likely benign. Last evaluated: 2013-01-18. Review status: criteria provided, single submitter. Criteria: GeneDx Variant Classification (06012015). Collection method: clinical testing. Allele origin: germline. Affected: yes.
Comment: This variant is considered likely benign or benign based on one or more of the following criteria: it is a conservative change, it occurs at a poorly conserved position in the protein, it is predicted to be benign by multiple in silico algorithms, and/or has population frequency not consistent with disease.

NM_004415.4(DSP):c.8024T>C (p.Val2675Ala)

Gene: DSP (desmoplakin; plus strand). Cytogenetic location: 6p24.3.
Variant type: single nucleotide variant.
Coding change: c.8024T>C on transcript NM_004415.4 (MANE Select); coding-DNA position 8024, T replaced by C.
Protein change: p.Val2675Ala; replaces valine 2675 with alanine.
Molecular consequence: missense variant.
Genome position (GRCh38, 1-based): chr6:7,585,286, T>C. VCF-style: chr6-7585286-T-C. GRCh37 (hg19) VCF-style: chr6-7585519-T-C.
Other names: p.V2675A:GTC>GCC; c.8024T>C (LRG_423t1); c.6227T>C, p.Val2076Ala (NM_001008844.3); c.6695T>C, p.Val2232Ala (NM_001319034.2); short protein forms V2675A, V2232A, V2076A.
Identifiers: ClinVar variation 199846 (VCV000199846.1), dbSNP rs794728105, ClinGen allele CA007367.
Genomic context (GRCh38, chr6:7,585,286, plus strand): 5'-CCTGCACAGGTGGCATCATCCACCCAACCACGGGCCAGAAGCTGTCACTTCAGGACGCAG[T>C]CTCCCAGGGTGTGATTGACCAAGACATGGCCACCAGGCTGAAGCCTGCTCAGAAAGCCTT-3'
Protein context (NP_004406.2, residues 2665-2685): TGQKLSLQDA[Val2675Ala]SQGVIDQDMA